The following is an entry in ClinVar:

ClinVar aggregate classification (germline): Uncertain significance (1 of 4 stars; one submission).

Submission:

Greenwood Genetic Center Diagnostic Laboratories, Greenwood Genetic Center
Classification: Uncertain significance. Last evaluated: 2023-05-08. Review status: criteria provided, single submitter. Criteria: ACMG Guidelines, 2015. Collection method: clinical testing. Allele origin: germline. Affected: yes.
Comment: Gene of Uncertain Significance

NM_020759.3(STARD9):c.6107_6110del (p.Lys2036fs)

Gene: STARD9 (StAR related lipid transfer domain containing 9; plus strand). Cytogenetic location: 15q15.2.
Variant type: Deletion.
Coding change: c.6107_6110del on transcript NM_020759.3 (MANE Select); coding-DNA positions 6107 to 6110, 4 bases deleted (AACA; older notation c.6107_6110delAACA).
Protein change: p.Lys2036fs; shifts the reading frame from lysine 2036.
Molecular consequence: frameshift variant.
Genome position (GRCh38, 1-based): chr15:42,687,685-42,687,688, AACA deleted; deleting any 4 consecutive bases within chr15:42,687,684-42,687,688 gives the same sequence; the c. name uses the placement nearest the transcript's 3' end. VCF-style (leftmost placement, unchanged base first): chr15-42687683-GAAAC-G. GRCh37 (hg19) VCF-style: chr15-42979881-GAAAC-G.
Other names: short protein forms K2036fs.
Identifiers: ClinVar variation 2572196 (VCV002572196.1), dbSNP rs756652648, ClinGen allele CA7514430.